The following is an entry in ClinVar:

ClinVar aggregate classification (germline): Uncertain significance (1 of 4 stars; one submission).

Conditions:
Ehlers-Danlos syndrome, classic type, 1 (EDSCL1). Also called: EHLERS-DANLOS SYNDROME, GRAVIS TYPE; EHLERS-DANLOS SYNDROME, SEVERE CLASSIC TYPE; Ehlers-Danlos syndrome, type 1; Ehlers-Danlos Syndrome, Classic Type, COL5A1-Related; EDS I. Identifiers: MedGen C0268335, MONDO:0019567, OMIM 130000.
Osteogenesis imperfecta type I (OI1). Also called: OI, TYPE I; OSTEOGENESIS IMPERFECTA TARDA; OSTEOGENESIS IMPERFECTA WITH BLUE SCLERAE; Osteogenesis imperfecta type 1; Lobstein's Disease; Lobstein disease. Identifiers: Orphanet 216796, Orphanet 666, MedGen C0023931, MONDO:0008146, OMIM 166200. Disease mechanism: loss of function.

gnomAD v4.1: 3 of 1,613,682 alleles (0.00019%); highest among the groups gnomAD compares: East Asian, 0.0022%; no homozygotes.

Submission:

Labcorp Genetics (formerly Invitae), Labcorp
Classification: Uncertain significance for Osteogenesis imperfecta type I; Ehlers-Danlos syndrome, classic type, 1. Last evaluated: 2025-10-18. Review status: criteria provided, single submitter. Criteria: Invitae Variant Classification Sherloc (09022015). Collection method: clinical testing. Allele origin: germline.
Comment: This sequence change replaces alanine, which is neutral and non-polar, with proline, which is neutral and non-polar, at codon 743 of the COL1A2 protein (p.Ala743Pro). This variant is not present in population databases (gnomAD no frequency). This missense change has been observed in individual(s) with clinical features of osteogenesis imperfecta (internal data). Invitae Evidence Modeling of protein sequence and biophysical properties (such as structural, functional, and spatial information, amino acid conservation, physicochemical variation, residue mobility, and thermodynamic stability) indicates that this missense variant is not expected to disrupt COL1A2 protein function with a negative predictive value of 95%. In summary, the available evidence is currently insufficient to determine the role of this variant in disease. Therefore, it has been classified as a Variant of Uncertain Significance.

NM_000089.4(COL1A2):c.2227G>C (p.Ala743Pro)

Gene: COL1A2 (collagen type I alpha 2 chain; plus strand). Cytogenetic location: 7q21.3.
Variant type: single nucleotide variant.
Coding change: c.2227G>C on transcript NM_000089.4 (MANE Select); coding-DNA position 2227, G replaced by C.
Protein change: p.Ala743Pro; replaces alanine 743 with proline.
Molecular consequence: missense variant.
Genome position (GRCh38, 1-based): chr7:94,420,580, G>C. VCF-style: chr7-94420580-G-C. GRCh37 (hg19) VCF-style: chr7-94049892-G-C.
Other names: short protein forms A743P.
Identifiers: ClinVar variation 4789408 (VCV004789408.1).